The following is an entry in ClinVar:

NM_006031.6(PCNT):c.9839+6T>C

Gene: PCNT (pericentrin; plus strand). Cytogenetic location: 21q22.3.
Variant type: single nucleotide variant.
Coding change: c.9839+6T>C on transcript NM_006031.6 (MANE Select); 6 bases into the intron after coding-DNA position 9839, T replaced by C.
Molecular consequence: intron variant.
Genome position (GRCh38, 1-based): chr21:46,443,954, T>C. VCF-style: chr21-46443954-T-C. GRCh37 (hg19) VCF-style: chr21-47863867-T-C.
Other names: c.9839+6T>C (NM_006031.5); c.9248+6T>C (NM_001315529.2).
Identifiers: ClinVar variation 1800789 (VCV001800789.3), dbSNP rs757040779, ClinGen allele CA10081489.

ClinVar aggregate classification (germline): Uncertain significance. Review status: criteria provided, multiple submitters, no conflicts (2 of 4 stars). 2 submissions from 2 submitters: Uncertain significance (2). Last evaluated 2025-12-14.

Conditions:
PCNT-related disorder. Also called: PCNT-related condition.

Allele frequency attached by ClinVar (database versions not stated): TOPMed 0.00003; ExAC 0.00007.
gnomAD v4.1: 16 of 1,611,522 alleles (0.00099%); highest among the groups gnomAD compares: Admixed American, 0.027%; 1 homozygote.

Submissions (2):

PreventionGenetics, part of Exact Sciences
Classification: Uncertain significance for PCNT-related condition. Last evaluated: 2025-12-14. Review status: criteria provided, single submitter. Criteria: ACMG Guidelines, 2015. Collection method: clinical testing. Allele origin: germline.
Comment: The PCNT c.9839+6T>C variant is predicted to interfere with splicing. This variant is reported in 0.046% of alleles in individuals of Latino descent in gnomAD, including one homozygote. To our knowledge, this variant has not been reported in the literature. This variant impacts a nucleotide 4 bases from the canonical splice donor site and computational methods predict that this variant may weaken the donor site. However, the use of computer prediction programs is not equivalent to functional evidence. At this time, the clinical significance of this variant is uncertain due to the absence of conclusive functional and genetic evidence.

GeneDx
Classification: Uncertain significance. Last evaluated: 2022-11-16. Review status: criteria provided, single submitter. Criteria: GeneDx Variant Classification Process June 2021. Collection method: clinical testing. Allele origin: germline. Affected: yes.
Comment: Has not been previously published as pathogenic or benign to our knowledge; In silico analysis is inconclusive as to whether the variant alters gene splicing. In the absence of RNA/functional studies, the actual effect of this sequence change is unknown.